The following is an entry in ClinVar:

NM_198904.4(GABRG2):c.89T>C (p.Leu30Pro)

Gene: GABRG2 (gamma-aminobutyric acid type A receptor subunit gamma2; plus strand). Cytogenetic location: 5q34.
Variant type: single nucleotide variant.
Coding change: c.89T>C on transcript NM_198904.4 (MANE Select); coding-DNA position 89, T replaced by C.
Protein change: p.Leu30Pro; replaces leucine 30 with proline.
Molecular consequence: missense variant. On other transcripts: 5 prime UTR variant (3), intron variant (1).
Genome position (GRCh38, 1-based): chr5:162,068,088, T>C. VCF-style: chr5-162068088-T-C. GRCh37 (hg19) VCF-style: chr5-161495094-T-C.
Other names: c.89T>C, p.Leu30Pro (NM_000816.3, NM_001375339.1, NM_001375340.1 and 5 more transcripts); c.23T>C, p.Leu8Pro (NM_001375345.1, NM_001375346.1); c.-270T>C (NM_001375348.1, NM_001375350.1); c.-318T>C (NM_001375349.1); c.20+447T>C (NM_001375347.1); short protein forms L30P, L8P.
Identifiers: ClinVar variation 2090947 (VCV002090947.4), dbSNP rs2532460667, ClinGen allele CA362181887.

ClinVar aggregate classification (germline): Uncertain significance (1 of 4 stars; one submission).

Conditions:
EPILEPSY, CHILDHOOD ABSENCE, SUSCEPTIBILITY TO, 2 (ECA2). Identifiers: Orphanet 64280, MedGen C1843244, OMIM 607681.
Febrile seizures, familial, 8 (FEB8). Also called: CONVULSIONS, FAMILIAL FEBRILE, 8. Identifiers: Orphanet 36387, MedGen C1969810, MONDO:0011891, OMIM 607681.

Submission:

Labcorp Genetics (formerly Invitae), Labcorp
Classification: Uncertain significance for Febrile seizures, familial, 8; EPILEPSY, CHILDHOOD ABSENCE, SUSCEPTIBILITY TO, 2. Last evaluated: 2022-07-12. Review status: criteria provided, single submitter. Criteria: Invitae Variant Classification Sherloc (09022015). Collection method: clinical testing. Allele origin: germline.
Comment: This sequence change replaces leucine, which is neutral and non-polar, with proline, which is neutral and non-polar, at codon 30 of the GABRG2 protein (p.Leu30Pro). This variant is not present in population databases (gnomAD no frequency). This variant has not been reported in the literature in individuals affected with GABRG2-related conditions. Advanced modeling of protein sequence and biophysical properties (such as structural, functional, and spatial information, amino acid conservation, physicochemical variation, residue mobility, and thermodynamic stability) performed at Invitae indicates that this missense variant is not expected to disrupt GABRG2 protein function. In summary, the available evidence is currently insufficient to determine the role of this variant in disease. Therefore, it has been classified as a Variant of Uncertain Significance.